The following is an entry in ClinVar:

ClinVar aggregate classification (germline): Uncertain significance (1 of 4 stars; one submission).

Submission:

Ambry Genetics
Classification: Uncertain significance. Last evaluated: 2022-09-20. Review status: criteria provided, single submitter. Criteria: Ambry Variant Classification Scheme 2023. Collection method: clinical testing. Allele origin: germline.
Comment: The p.V282A variant (also known as c.845T>C), located in coding exon 8 of the RAD54L gene, results from a T to C substitution at nucleotide position 845. The valine at codon 282 is replaced by alanine, an amino acid with similar properties. This amino acid position is conserved. In addition, this alteration is predicted to be tolerated by in silico analysis. Since supporting evidence is limited at this time, the clinical significance of this alteration remains unclear.

NM_003579.4(RAD54L):c.845T>C (p.Val282Ala)

Gene: RAD54L (RAD54 like; plus strand). Cytogenetic location: 1p34.1.
Variant type: single nucleotide variant.
Coding change: c.845T>C on transcript NM_003579.4 (MANE Select); coding-DNA position 845, T replaced by C.
Protein change: p.Val282Ala; replaces valine 282 with alanine.
Molecular consequence: missense variant.
Genome position (GRCh38, 1-based): chr1:46,261,339, T>C. VCF-style: chr1-46261339-T-C. GRCh37 (hg19) VCF-style: chr1-46727011-T-C.
Other names: c.845T>C, p.Val282Ala (NM_001142548.2); c.305T>C, p.Val102Ala (NM_001370766.1); short protein forms V102A, V282A.
Identifiers: ClinVar variation 1763462 (VCV001763462.2), dbSNP rs1660118085, ClinGen allele CA340189134.